The following is an entry in ClinVar:

ClinVar aggregate classification (germline): Pathogenic (1 of 4 stars; one submission).

Conditions:
Inborn genetic diseases. Identifiers: MedGen C0950123, MeSH D030342.

Submission:

Ambry Genetics
Classification: Pathogenic for Inborn genetic diseases. Last evaluated: 2023-08-22. Review status: criteria provided, single submitter. Criteria: Ambry Variant Classification Scheme 2023. Collection method: clinical testing. Allele origin: germline.
Comment: The c.343_344dupCC (p.G116Qfs*12) alteration, located in exon 4 (coding exon 3) of the POGZ gene, consists of a duplication of CC at position 343, causing a translational frameshift with a predicted alternate stop codon after 12 amino acids. This alteration is expected to result in loss of function by premature protein truncation or nonsense-mediated mRNA decay. This variant was not reported in population-based cohorts in the Genome Aggregation Database (gnomAD). Based on the available evidence, this alteration is classified as pathogenic.

NM_015100.4(POGZ):c.343_344dup (p.Gly116fs)

Gene: POGZ (pogo transposable element derived with ZNF domain; minus strand). Cytogenetic location: 1q21.3.
Variant type: Duplication.
Coding change: c.343_344dup on transcript NM_015100.4 (MANE Select); coding-DNA positions 343 to 344, 2 bases duplicated (CC; older notation c.343_344dupCC).
Protein change: p.Gly116fs; shifts the reading frame from glycine 116.
Molecular consequence: frameshift variant. On other transcripts: intron variant (1).
Genome position (GRCh38, 1-based): chr1:151,430,781-151,430,782, GG duplicated on the plus strand (CC on the coding strand, the reverse complement: POGZ is on the minus strand); duplicating any 2 consecutive bases within chr1:151,430,781-151,430,784 gives the same sequence; the c. name uses the placement nearest the transcript's 3' end. VCF-style (leftmost placement, unchanged base first): chr1-151430780-T-TGG. GRCh37 (hg19) VCF-style: chr1-151403256-T-TGG.
Other names: c.343_344dup, p.Gly116fs (NM_001194937.2); c.184_185dup, p.Gly63fs (NM_001194938.2, NM_207171.2); c.364_365dup, p.Gly123fs (NM_001410860.1); c.284-2369_284-2368dup (NM_145796.4); short protein forms G116fs, G123fs, G63fs.
Identifiers: ClinVar variation 2613457 (VCV002613457.2), dbSNP rs2529543150, ClinGen allele CA2582342419.